The following is an entry in ClinVar:

NM_000548.5(TSC2):c.3411T>G (p.Leu1137=)

Gene: TSC2 (TSC complex subunit 2; plus strand). Cytogenetic location: 16p13.3.
Variant type: single nucleotide variant.
Coding change: c.3411T>G on transcript NM_000548.5 (MANE Select); coding-DNA position 3411, T replaced by G.
Protein change: p.Leu1137=; no amino-acid change (leucine 1137 retained).
Molecular consequence: synonymous variant.
Genome position (GRCh38, 1-based): chr16:2,080,178, T>G. VCF-style: chr16-2080178-T-G. GRCh37 (hg19) VCF-style: chr16-2130179-T-G.
Other names: c.3279T>G, p.Leu1093= (NM_001077183.3, NM_001370404.1); c.3411T>G, p.Leu1137= (NM_001114382.3); c.3171T>G, p.Leu1057= (NM_001318827.2); c.3135T>G, p.Leu1045= (NM_001318829.2); c.2679T>G, p.Leu893= (NM_001318831.2); c.3312T>G, p.Leu1104= (NM_001318832.2); c.3282T>G, p.Leu1094= (NM_001363528.2, NM_001370405.1, NM_021055.3).
Identifiers: ClinVar variation 233971 (VCV000233971.17), dbSNP rs876660766, ClinGen allele CA10579892.

ClinVar aggregate classification (germline): Benign/Likely benign. Review status: criteria provided, multiple submitters, no conflicts (2 of 4 stars). 4 submissions from 4 submitters: Benign (2); Likely benign (2). Last evaluated 2025-11-10.

Conditions:
Hereditary cancer-predisposing syndrome. Also called: Tumor predisposition; Hereditary Cancer Syndrome; Hereditary neoplastic syndrome; Neoplastic Syndromes, Hereditary. Identifiers: Orphanet 140162, MedGen C0027672, MeSH D009386, MONDO:0015356.
Tuberous sclerosis 2 (TSC2). Identifiers: Orphanet 805, MedGen C1860707, MONDO:0013199, OMIM 613254.

Allele frequency attached by ClinVar (database versions not stated): gnomAD exomes below 0.00001.
gnomAD v4.1: 1 of 1,612,928 alleles (0.000062%); highest among the groups gnomAD compares: Non-Finnish European, 0.000085%; no homozygotes.

Submissions (4):

Labcorp Genetics (formerly Invitae), Labcorp
Classification: Likely benign for Tuberous sclerosis 2. Last evaluated: 2025-11-10. Review status: criteria provided, single submitter. Criteria: Invitae Variant Classification Sherloc (09022015). Collection method: clinical testing. Allele origin: germline.

Myriad Genetics, Inc.
Classification: Benign for Tuberous sclerosis 2. Last evaluated: 2025-05-29. Review status: criteria provided, single submitter. Criteria: Myriad Autosomal Dominant, Autosomal Recessive and X-Linked Classification Criteria (2023). Collection method: clinical testing. Allele origin: unknown.
Comment: This variant is considered benign. This variant is a silent/synonymous amino acid change and it is not expected to impact splicing.

Genome-Nilou Lab
Classification: Benign for Tuberous sclerosis 2. Last evaluated: 2021-11-07. Review status: criteria provided, single submitter. Criteria: ACMG Guidelines, 2015. Collection method: clinical testing. Allele origin: germline. Affected: no.

Ambry Genetics
Classification: Likely benign for Hereditary cancer-predisposing syndrome. Last evaluated: 2015-09-17. Review status: criteria provided, single submitter. Criteria: Ambry Variant Classification Scheme 2023. Collection method: clinical testing. Allele origin: germline.